The following is an entry in ClinVar:

ClinVar aggregate classification (germline): Uncertain significance (1 of 4 stars; one submission).

Conditions:
Inborn genetic diseases. Identifiers: MedGen C0950123, MeSH D030342.

gnomAD v4.1: 1 of 1,613,864 alleles (0.000062%); highest among the groups gnomAD compares: Admixed American, 0.0017%; no homozygotes.

Submission:

Ambry Genetics
Classification: Uncertain significance for Inborn genetic diseases. Last evaluated: 2025-03-22. Review status: criteria provided, single submitter. Criteria: Ambry Variant Classification Scheme 2023. Collection method: clinical testing. Allele origin: germline.
Comment: The p.N738Y variant (also known as c.2212A>T), located in coding exon 1 of the SAMD9L gene, results from an A to T substitution at nucleotide position 2212. The asparagine at codon 738 is replaced by tyrosine, an amino acid with dissimilar properties. This amino acid position is conserved. In addition, the in silico prediction for this alteration is inconclusive. Based on the available evidence, the clinical significance of this variant remains unclear.

NM_152703.5(SAMD9L):c.2212A>T (p.Asn738Tyr)

Gene: SAMD9L (sterile alpha motif domain containing 9 like; minus strand). Cytogenetic location: 7q21.2.
Variant type: single nucleotide variant.
Coding change: c.2212A>T on transcript NM_152703.5 (MANE Select); coding-DNA position 2212, A replaced by T.
Protein change: p.Asn738Tyr; replaces asparagine 738 with tyrosine.
Molecular consequence: missense variant.
Genome position (GRCh38, 1-based): chr7:93,133,760, T>A on the plus strand (A>T on the coding strand, the complement: SAMD9L is on the minus strand). VCF-style: chr7-93133760-T-A. GRCh37 (hg19) VCF-style: chr7-92763073-T-A.
Other names: c.2212A>T, p.Asn738Tyr (NM_001303496.3, NM_001303497.3, NM_001303498.3 and 5 more transcripts); short protein forms N738Y.
Identifiers: ClinVar variation 3949769 (VCV003949769.1).